The following is an entry in ClinVar:

NM_001854.4(COL11A1):c.1129G>T (p.Asp377Tyr)

Gene: COL11A1 (collagen type XI alpha 1 chain; minus strand). Cytogenetic location: 1p21.1.
Variant type: single nucleotide variant.
Coding change: c.1129G>T on transcript NM_001854.4 (MANE Select); coding-DNA position 1129, G replaced by T.
Protein change: p.Asp377Tyr; replaces aspartic acid 377 with tyrosine.
Molecular consequence: missense variant. On other transcripts: non-coding transcript variant (1), intron variant (1).
Genome position (GRCh38, 1-based): chr1:103,022,858, C>A on the plus strand (G>T on the coding strand, the complement: COL11A1 is on the minus strand). VCF-style: chr1-103022858-C-A. GRCh37 (hg19) VCF-style: chr1-103488414-C-A.
Other names: c.1012G>T, p.Asp338Tyr (NM_001190709.2); c.1165G>T, p.Asp389Tyr (NM_080629.3); c.898-1089G>T (NM_080630.4); short protein forms D338Y, D377Y, D389Y.
Identifiers: ClinVar variation 1187228 (VCV001187228.14), dbSNP rs376421641, ClinGen allele CA975112.

ClinVar aggregate classification (germline): Conflicting classifications of pathogenicity. Review status: criteria provided, conflicting classifications (1 of 4 stars). 5 submissions from 5 submitters: Uncertain significance (4); Benign (1). Last evaluated 2025-09-16.

Conditions:
COL11A1-related disorder. Also called: COL11A1-related disorders; COL11A1-related condition.
Inborn genetic diseases. Identifiers: MedGen C0950123, MeSH D030342.

Allele frequency attached by ClinVar (database versions not stated): gnomAD exomes below 0.00001; ExAC 0.00001; gnomAD 0.00001 and 0.00002; TOPMed 0.00002; ESP Exome Variant Server 0.00008; 1000 Genomes Project 30x 0.00016; 1000 Genomes Project 0.00020.
gnomAD v4.1: 7 of 1,613,910 alleles (0.00043%); highest among the groups gnomAD compares: African/African-American, 0.0093%; no homozygotes.

Submissions (5):

PreventionGenetics, part of Exact Sciences
Classification: Uncertain significance for COL11A1-related condition. Last evaluated: 2025-09-16. Review status: criteria provided, single submitter. Criteria: ACMG Guidelines, 2015. Collection method: clinical testing. Allele origin: germline.
Comment: The COL11A1 c.1129G>T variant is predicted to result in the amino acid substitution p.Asp377Tyr. To our knowledge, this variant has not been reported in the literature. This variant is reported in 0.0062% of alleles in individuals of African descent in gnomAD. At this time, the clinical significance of this variant is uncertain due to the absence of conclusive functional and genetic evidence.

Labcorp Genetics (formerly Invitae), Labcorp
Classification: Benign. Last evaluated: 2025-04-07. Review status: criteria provided, single submitter. Criteria: Invitae Variant Classification Sherloc (09022015). Collection method: clinical testing. Allele origin: germline.

Ambry Genetics
Classification: Uncertain significance for Inborn genetic diseases. Last evaluated: 2024-11-20. Review status: criteria provided, single submitter. Criteria: Ambry Variant Classification Scheme 2023. Collection method: clinical testing. Allele origin: germline.

Blueprint Genetics
Classification: Uncertain significance. Last evaluated: 2022-04-25. Review status: criteria provided, single submitter. Criteria: ACMG Guidelines, 2015. Collection method: clinical testing. Allele origin: germline.

GeneDx
Classification: Uncertain significance. Last evaluated: 2021-06-15. Review status: criteria provided, single submitter. Criteria: GeneDx Variant Classification Process June 2021. Collection method: clinical testing. Allele origin: germline. Affected: yes.
Comment: Has not been previously published as pathogenic or benign to our knowledge; Not observed at significant frequency in large population cohorts (Lek et al., 2016); In silico analysis supports that this missense variant has a deleterious effect on protein structure/function; This variant is associated with the following publications: (PMID: 27535533)